The following is an entry in ClinVar:

ClinVar aggregate classification (germline): Uncertain significance. Review status: criteria provided, multiple submitters, no conflicts (2 of 4 stars). 4 submissions from 4 submitters: Uncertain significance (3). 1 of the submissions does not count toward it. Last evaluated 2024-11-18.

Conditions:
Alpha thalassemia-X-linked intellectual disability syndrome (ATRX). Also called: ALPHA-THALASSEMIA/MENTAL RETARDATION SYNDROME, X-LINKED; ATR, NONDELETION TYPE; ATR-X syndrome; Alpha thalassemia mental retardation syndrome, nondeletion type, X-linked; XLMR hypotonic face syndrome; X-linked alpha-thalassemia-mental retardation syndrome. Identifiers: Orphanet 847, MedGen C1845055, MONDO:0010519, OMIM 301040.
Intellectual disability-hypotonic facies syndrome, X-linked, 1 (MRXHF1). Also called: Chudley syndrome 1; Chudley-Lowry-Hoar syndrome; Carpenter-Waziri syndrome; CHUDLEY-LOWRY SYNDROME; XLMR-HYPOTONIC FACIES SYNDROME; Smith Fineman Myers syndrome 1. Identifiers: Orphanet 73220, Orphanet 93970, Orphanet 93971, Orphanet 93972, Orphanet 93973, Orphanet 93974, Orphanet 93975, MedGen C4759781, MONDO:0010663, OMIM 309580.

Allele frequency attached by ClinVar (database versions not stated): gnomAD 0.00003 and 0.00002; TOPMed 0.00005.
gnomAD v4.1: 3 of 1,208,741 alleles (0.00025%); highest among the groups gnomAD compares: Admixed American, 0.0022%; no homozygotes.

Submissions (4):

Labcorp Genetics (formerly Invitae), Labcorp
Classification: Uncertain significance for Alpha thalassemia-X-linked intellectual disability syndrome. Last evaluated: 2024-11-18. Review status: criteria provided, single submitter. Criteria: Invitae Variant Classification Sherloc (09022015). Collection method: clinical testing. Allele origin: germline.
Comment: This sequence change replaces lysine, which is basic and polar, with glutamic acid, which is acidic and polar, at codon 494 of the ATRX protein (p.Lys494Glu). This variant is not present in population databases (gnomAD no frequency). This variant has not been reported in the literature in individuals affected with ATRX-related conditions. ClinVar contains an entry for this variant (Variation ID: 1098671). Invitae Evidence Modeling of protein sequence and biophysical properties (such as structural, functional, and spatial information, amino acid conservation, physicochemical variation, residue mobility, and thermodynamic stability) indicates that this missense variant is not expected to disrupt ATRX protein function with a negative predictive value of 95%. In summary, the available evidence is currently insufficient to determine the role of this variant in disease. Therefore, it has been classified as a Variant of Uncertain Significance.

GeneDx
Classification: Uncertain significance. Last evaluated: 2021-02-12. Review status: criteria provided, single submitter. Criteria: GeneDx Variant Classification Process June 2021. Collection method: clinical testing. Allele origin: germline. Affected: yes.
Comment: Not observed in large population cohorts (Lek et al., 2016); In silico analysis, which includes protein predictors and evolutionary conservation, supports that this variant does not alter protein structure/function; Has not been previously published as pathogenic or benign to our knowledge

New York Genome Center
Classification: Uncertain significance for Intellectual disability-hypotonic facies syndrome, X-linked, 1. Last evaluated: 2020-05-12. Review status: criteria provided, single submitter. Criteria: NYGC Assertion Criteria 2020. Collection method: clinical testing. Allele origin: germline. Observed: 1 heterozygote. Study: CSER-NYCKidSeq.

Natera, Inc.
Classification: Uncertain significance for X-linked alpha-thalassemia-mental retardation syndrome. Last evaluated: 2021-03-16. Review status: no assertion criteria provided. Collection method: clinical testing. Allele origin: germline. Not counted in ClinVar's aggregate classification.

NM_000489.6(ATRX):c.1480A>G (p.Lys494Glu)

Gene: ATRX (ATRX chromatin remodeler; minus strand). Cytogenetic location: Xq21.1.
Variant type: single nucleotide variant.
Coding change: c.1480A>G on transcript NM_000489.6 (MANE Select); coding-DNA position 1480, A replaced by G.
Protein change: p.Lys494Glu; replaces lysine 494 with glutamic acid.
Molecular consequence: missense variant.
Genome position (GRCh38, 1-based): chrX:77,683,776, T>C on the plus strand (A>G on the coding strand, the complement: ATRX is on the minus strand). VCF-style: chrX-77683776-T-C. GRCh37 (hg19) VCF-style: chrX-76939268-T-C.
Other names: c.1366A>G, p.Lys456Glu (NM_138270.5); short protein forms K456E, K494E.
Identifiers: ClinVar variation 1098671 (VCV001098671.13), dbSNP rs1394070657, ClinGen allele CA413717875.